The following is an entry in ClinVar:

NM_020738.4(KIDINS220):c.2615-6_2672del

Gene: KIDINS220 (kinase D interacting substrate 220; minus strand). Cytogenetic location: 2p25.1.
Variant type: Deletion.
Coding change: c.2615-6_2672del on transcript NM_020738.4 (MANE Select); 6 bases into the intron before coding-DNA position 2615 through coding-DNA position 2672, 64 bases deleted.
Molecular consequence: splice acceptor variant.
Genome position (GRCh38, 1-based): chr2:8,778,670-8,778,733, 64 bases deleted. GRCh37 (hg19): chr2:8,918,801-8,918,864.
Other names: c.2615-6_2672del (NM_001348741.2, NM_001348738.2, NM_001348742.2 and 3 more transcripts); c.2618-6_2675del (NM_001348739.2, NM_001348740.2, NM_001348734.2 and 3 more transcripts); c.2489-6_2546del (NM_001348736.2).
Identifiers: ClinVar variation 2060645 (VCV002060645.1), dbSNP rs2527918499, ClinGen allele CA2580068136.

ClinVar aggregate classification (germline): Likely pathogenic (1 of 4 stars; one submission).

Submission:

Labcorp Genetics (formerly Invitae), Labcorp
Classification: Likely pathogenic. Last evaluated: 2022-06-30. Review status: criteria provided, single submitter. Criteria: Invitae Variant Classification Sherloc (09022015). Collection method: clinical testing. Allele origin: germline.
Comment: This variant results in the deletion of part of exon 20 (c.2615-6_2672del) of the KIDINS220 gene. It is expected to disrupt RNA splicing. Variants that disrupt the donor or acceptor splice site typically lead to a loss of protein function (PMID: 16199547), and loss-of-function variants in KIDINS220 are known to be pathogenic (PMID: 28934391, 32909676). This variant is not present in population databases (gnomAD no frequency). This variant has not been reported in the literature in individuals affected with KIDINS220-related conditions. Algorithms developed to predict the effect of sequence changes on RNA splicing suggest that this variant may disrupt the consensus splice site. In summary, the currently available evidence indicates that the variant is pathogenic, but additional data are needed to prove that conclusively. Therefore, this variant has been classified as Likely Pathogenic.

Literature cited by the submitters: PubMed 16199547; PubMed 28934391; PubMed 32909676.